The following is an entry in ClinVar:

ClinVar aggregate classification (germline): Likely benign. Review status: criteria provided, multiple submitters, no conflicts (2 of 4 stars). 3 submissions from 3 submitters: Likely benign (3). Last evaluated 2025-10-01.

Conditions:
POLD1-related polyposis and colorectal cancer syndrome (CRCS10). Also called: Colorectal cancer 10; COLORECTAL CANCER, SUSCEPTIBILITY TO, ON CHROMOSOME 19q; Colorectal cancer, susceptibility to, 10. Identifiers: Orphanet 220460, MedGen C2675481, MONDO:0012953, OMIM 612591.
Hereditary cancer-predisposing syndrome. Also called: Tumor predisposition; Hereditary Cancer Syndrome; Hereditary neoplastic syndrome; Neoplastic Syndromes, Hereditary. Identifiers: Orphanet 140162, MedGen C0027672, MeSH D009386, MONDO:0015356.

gnomAD v4.1: 1 of 1,612,320 alleles (0.000062%); highest among the groups gnomAD compares: Middle Eastern, 0.017%; no homozygotes.

Submissions (3):

Labcorp Genetics (formerly Invitae), Labcorp
Classification: Likely benign for POLD1-related polyposis and colorectal cancer syndrome. Last evaluated: 2025-10-01. Review status: criteria provided, single submitter. Criteria: Invitae Variant Classification Sherloc (09022015). Collection method: clinical testing. Allele origin: germline.

GeneDx
Classification: Likely benign. Last evaluated: 2020-03-09. Review status: criteria provided, single submitter. Criteria: GeneDx Variant Classification Process June 2021. Collection method: clinical testing. Allele origin: germline. Affected: yes.
Comment: Not observed in large population cohorts (Lek et al., 2016)

Ambry Genetics
Classification: Likely benign for Hereditary cancer-predisposing syndrome. Last evaluated: 2016-12-19. Review status: criteria provided, single submitter. Criteria: Ambry Variant Classification Scheme 2023. Collection method: clinical testing. Allele origin: germline.

NM_002691.4(POLD1):c.2301G>C (p.Ser767=)

Gene: POLD1 (DNA polymerase delta 1, catalytic subunit; plus strand). Cytogenetic location: 19q13.33.
Variant type: single nucleotide variant.
Coding change: c.2301G>C on transcript NM_002691.4 (MANE Select); coding-DNA position 2301, G replaced by C.
Protein change: p.Ser767=; no amino-acid change (serine 767 retained).
Molecular consequence: synonymous variant. On other transcripts: non-coding transcript variant (1).
Genome position (GRCh38, 1-based): chr19:50,413,792, G>C. VCF-style: chr19-50413792-G-C. GRCh37 (hg19) VCF-style: chr19-50917049-G-C.
Other names: c.2301G>C, p.Ser767= (NM_001256849.1); c.2379G>C, p.Ser793= (NM_001308632.1).
Identifiers: ClinVar variation 486082 (VCV000486082.18), dbSNP rs764156081, ClinGen allele CA508305142.